The following is an entry in ClinVar:

NM_002473.6(MYH9):c.455C>T (p.Ala152Val)

Gene: MYH9 (myosin heavy chain 9; minus strand). Cytogenetic location: 22q12.3.
Variant type: single nucleotide variant.
Coding change: c.455C>T on transcript NM_002473.6 (MANE Select); coding-DNA position 455, C replaced by T.
Protein change: p.Ala152Val; replaces alanine 152 with valine.
Molecular consequence: missense variant.
Genome position (GRCh38, 1-based): chr22:36,341,405, G>A on the plus strand (C>T on the coding strand, the complement: MYH9 is on the minus strand). VCF-style: chr22-36341405-G-A. GRCh37 (hg19) VCF-style: chr22-36737450-G-A.
Other names: short protein forms A152V.
Identifiers: ClinVar variation 4852292 (VCV004852292.1).

ClinVar aggregate classification (germline): Uncertain significance (1 of 4 stars; one submission).

Conditions:
Monogenic hearing loss.

gnomAD v4.1: 10 of 1,614,002 alleles (0.00062%); highest among the groups gnomAD compares: Non-Finnish European, 0.00085%; no homozygotes.

Submission:

Genetics Laboratory, Great Ormond Street Hospital NHS Foundation Trust, North Thames Genomic Laboratory Hub
Classification: Uncertain significance for Monogenic hearing loss. Last evaluated: 2026-03-31. Review status: criteria provided, single submitter. Criteria: ACGS Best Practice Guidelines for Variant Classification in Rare Disease 2024 v1.2. Collection method: clinical testing. Allele origin: germline. Affected: yes.
Comment: PM2_moderate, PP3_supporting, PP2_supporting